The following is an entry in ClinVar:

ClinVar aggregate classification (germline): Uncertain significance (1 of 4 stars; one submission).

gnomAD v4.1: 80 of 1,613,404 alleles (0.005%); highest among the groups gnomAD compares: African/African-American, 0.011%; no homozygotes.

Submission:

Labcorp Genetics (formerly Invitae), Labcorp
Classification: Uncertain significance. Last evaluated: 2025-10-02. Review status: criteria provided, single submitter. Criteria: Invitae Variant Classification Sherloc (09022015). Collection method: clinical testing. Allele origin: germline.
Comment: This sequence change replaces arginine, which is basic and polar, with glutamine, which is neutral and polar, at codon 114 of the RPIA protein (p.Arg114Gln). This variant is present in population databases (rs201273235, gnomAD 0.03%). This variant has not been reported in the literature in individuals affected with RPIA-related conditions. Invitae Evidence Modeling of protein sequence and biophysical properties (such as structural, functional, and spatial information, amino acid conservation, physicochemical variation, residue mobility, and thermodynamic stability) indicates that this missense variant is not expected to disrupt RPIA protein function with a negative predictive value of 80%. In summary, the available evidence is currently insufficient to determine the role of this variant in disease. Therefore, it has been classified as a Variant of Uncertain Significance.

NM_144563.3(RPIA):c.341G>A (p.Arg114Gln)

Gene: RPIA (ribose 5-phosphate isomerase A; plus strand). Cytogenetic location: 2p11.2.
Variant type: single nucleotide variant.
Coding change: c.341G>A on transcript NM_144563.3 (MANE Select); coding-DNA position 341, G replaced by A.
Protein change: p.Arg114Gln; replaces arginine 114 with glutamine.
Molecular consequence: missense variant.
Genome position (GRCh38, 1-based): chr2:88,698,539, G>A. VCF-style: chr2-88698539-G-A. GRCh37 (hg19) VCF-style: chr2-88998057-G-A.
Other names: short protein forms R114Q.
Identifiers: ClinVar variation 4706894 (VCV004706894.1).
Genomic context (GRCh38, chr2:88,698,539, plus strand): 5'-GGCAGAATAACCAAGTGCTGGGAATTGGAAGTGGTTCTACAATTGTCCATGCTGTGCAGC[G>A]AATAGGTATGCTCTCTCACTGTCTACTGGATGTTTTGTGTGTGATGATGGGGTAGGGAGG-3'
Protein context (NP_653164.2, residues 104-124): SGSTIVHAVQ[Arg114Gln]IAERVKQENL